The following is an entry in ClinVar:

ClinVar aggregate classification (germline): Uncertain significance (1 of 4 stars; one submission).

Allele frequency attached by ClinVar (database versions not stated): gnomAD exomes below 0.00001; TOPMed 0.00001; gnomAD 0.00002.
gnomAD v4.1: 8 of 1,614,150 alleles (0.0005%); highest among the groups gnomAD compares: Non-Finnish European, 0.00068%; no homozygotes.

Submission:

Labcorp Genetics (formerly Invitae), Labcorp
Classification: Uncertain significance. Last evaluated: 2022-11-13. Review status: criteria provided, single submitter. Criteria: Invitae Variant Classification Sherloc (09022015). Collection method: clinical testing. Allele origin: germline.
Comment: This sequence change replaces alanine, which is neutral and non-polar, with glycine, which is neutral and non-polar, at codon 4536 of the KMT2C protein (p.Ala4536Gly). This variant is not present in population databases (gnomAD no frequency). This variant has not been reported in the literature in individuals affected with KMT2C-related conditions. Algorithms developed to predict the effect of missense changes on protein structure and function are either unavailable or do not agree on the potential impact of this missense change (SIFT: "Deleterious"; PolyPhen-2: "Probably Damaging"; Align-GVGD: "Class C0"). In summary, the available evidence is currently insufficient to determine the role of this variant in disease. Therefore, it has been classified as a Variant of Uncertain Significance.

NM_170606.3(KMT2C):c.13607C>G (p.Ala4536Gly)

Gene: KMT2C (lysine methyltransferase 2C; minus strand). Cytogenetic location: 7q36.1.
Variant type: single nucleotide variant.
Coding change: c.13607C>G on transcript NM_170606.3 (MANE Select); coding-DNA position 13607, C replaced by G.
Protein change: p.Ala4536Gly; replaces alanine 4536 with glycine.
Molecular consequence: missense variant.
Genome position (GRCh38, 1-based): chr7:152,148,320, G>C on the plus strand (C>G on the coding strand, the complement: KMT2C is on the minus strand). VCF-style: chr7-152148320-G-C. GRCh37 (hg19) VCF-style: chr7-151845405-G-C.
Other names: short protein forms A4536G.
Identifiers: ClinVar variation 2814062 (VCV002814062.3), dbSNP rs912802821, ClinGen allele CA169220571.
Genomic context (GRCh38, chr7:152,148,320, plus strand): 5'-TGGAAGATGAGGCTACCCACGCGAAAGGTATGGTCCCGTTCTCCTCGTTGCACGATGCTA[G>C]CAATCTGTCGCACCTCATCACGCTGAACATAGACCCTCCTGAAGACTGCAAAGTAACTTA-3'
Protein context (NP_733751.2, residues 4526-4546): YVQRDEVRQI[Ala4536Gly]SIVQRGERDH